The following is an entry in ClinVar:

NM_005359.6(SMAD4):c.1479T>C (p.Asp493=)

Gene: SMAD4 (SMAD family member 4; plus strand). Cytogenetic location: 18q21.2.
Variant type: single nucleotide variant.
Coding change: c.1479T>C on transcript NM_005359.6 (MANE Select); coding-DNA position 1479, T replaced by C.
Protein change: p.Asp493=; no amino-acid change (aspartic acid 493 retained).
Molecular consequence: synonymous variant.
Genome position (GRCh38, 1-based): chr18:51,078,287, T>C. VCF-style: chr18-51078287-T-C. GRCh37 (hg19) VCF-style: chr18-48604657-T-C.
Identifiers: ClinVar variation 628404 (VCV000628404.14), dbSNP rs1568211528, ClinGen allele CA503873977.

ClinVar aggregate classification (germline): Benign/Likely benign. Review status: criteria provided, multiple submitters, no conflicts (2 of 4 stars). 5 submissions from 5 submitters: Benign (1); Likely benign (4). Last evaluated 2025-05-05.

Conditions:
Juvenile polyposis syndrome (JPS). Identifiers: Orphanet 2929, MedGen C0345893, MONDO:0017380, OMIM 174900.
Hereditary cancer-predisposing syndrome. Also called: Hereditary neoplastic syndrome; Neoplastic Syndromes, Hereditary; Tumor predisposition; Hereditary Cancer Syndrome. Identifiers: Orphanet 140162, MedGen C0027672, MeSH D009386, MONDO:0015356.
Familial thoracic aortic aneurysm and aortic dissection (TAAD). Also called: Thoracic aortic aneurysms and dissections. Identifiers: Orphanet 91387, MedGen C4707243, MONDO:0019625.
Juvenile polyposis/hereditary hemorrhagic telangiectasia syndrome (JPHT). Also called: Juvenile Polyposis Syndrome / Hereditary Hemorrhagic Telangiectasia (JPS/HHT); JP/HHT SYNDROME; JUVENILE POLYPOSIS WITH HEREDITARY HEMORRHAGIC TELANGIECTASIA; POLYPOSIS, GENERALIZED JUVENILE, WITH PULMONARY ARTERIOVENOUS MALFORMATION; TELANGIECTASIA, HEREDITARY HEMORRHAGIC, WITH JUVENILE POLYPOSIS COLI. Identifiers: Orphanet 2929, MedGen C1832942, MONDO:0008278, OMIM 175050.

Allele frequency attached by ClinVar (database versions not stated): gnomAD exomes below 0.00001.
gnomAD v4.1: 1 of 1,614,254 alleles (0.000062%); highest among the groups gnomAD compares: Non-Finnish European, 0.000085%; no homozygotes.

Submissions (5):

Labcorp Genetics (formerly Invitae), Labcorp
Classification: Likely benign for Juvenile polyposis syndrome. Last evaluated: 2025-05-05. Review status: criteria provided, single submitter. Criteria: Invitae Variant Classification Sherloc (09022015). Collection method: clinical testing. Allele origin: germline.

Myriad Genetics, Inc.
Classification: Benign for Juvenile polyposis/hereditary hemorrhagic telangiectasia syndrome. Last evaluated: 2025-03-24. Review status: criteria provided, single submitter. Criteria: Myriad Autosomal Dominant, Autosomal Recessive and X-Linked Classification Criteria (2023). Collection method: clinical testing. Allele origin: unknown.
Comment: This variant is considered benign. This variant is a silent/synonymous amino acid change and it is not expected to impact splicing.

All of Us Research Program, National Institutes of Health
Classification: Likely benign for Juvenile polyposis/hereditary hemorrhagic telangiectasia syndrome. Last evaluated: 2024-02-22. Review status: criteria provided, single submitter. Criteria: ACMG Guidelines, 2015. Collection method: clinical testing. Allele origin: germline. Inheritance: Autosomal dominant inheritance. Observed: 1 variant allele, 1 heterozygote.
Comment: This study involves interpretation of variants in research participants for the purpose of population health screening. Participant phenotype was not available at the time of variant classification. Additional details can be found in publication PMID: 35346344, PMCID: PMC8962531

Ambry Genetics
Classification: Likely benign for Hereditary cancer-predisposing syndrome; Familial thoracic aortic aneurysm and aortic dissection. Last evaluated: 2023-07-05. Review status: criteria provided, single submitter. Criteria: Ambry Variant Classification Scheme 2023. Collection method: clinical testing. Allele origin: germline.

Color Diagnostics, LLC DBA Color Health
Classification: Likely benign for Hereditary cancer-predisposing syndrome. Last evaluated: 2018-05-15. Review status: criteria provided, single submitter. Criteria: ACMG Guidelines, 2015. Collection method: clinical testing. Allele origin: germline.